The following is an entry in ClinVar:

ClinVar aggregate classification (germline): Uncertain significance (1 of 4 stars; one submission).

Submission:

Labcorp Genetics (formerly Invitae), Labcorp
Classification: Uncertain significance. Last evaluated: 2023-12-16. Review status: criteria provided, single submitter. Criteria: Invitae Variant Classification Sherloc (09022015). Collection method: clinical testing. Allele origin: germline.
Comment: This sequence change replaces phenylalanine, which is neutral and non-polar, with leucine, which is neutral and non-polar, at codon 1476 of the POLE protein (p.Phe1476Leu). This variant is not present in population databases (gnomAD no frequency). This variant has not been reported in the literature in individuals affected with POLE-related conditions. Advanced modeling of protein sequence and biophysical properties (such as structural, functional, and spatial information, amino acid conservation, physicochemical variation, residue mobility, and thermodynamic stability) performed at Invitae indicates that this missense variant is not expected to disrupt POLE protein function with a negative predictive value of 80%. In summary, the available evidence is currently insufficient to determine the role of this variant in disease. Therefore, it has been classified as a Variant of Uncertain Significance.

NM_006231.4(POLE):c.4428C>G (p.Phe1476Leu)

Gene: POLE (DNA polymerase epsilon, catalytic subunit; minus strand). Cytogenetic location: 12q24.33.
Variant type: single nucleotide variant.
Coding change: c.4428C>G on transcript NM_006231.4 (MANE Select); coding-DNA position 4428, C replaced by G.
Protein change: p.Phe1476Leu; replaces phenylalanine 1476 with leucine.
Molecular consequence: missense variant.
Genome position (GRCh38, 1-based): chr12:132,643,423, G>C on the plus strand (C>G on the coding strand, the complement: POLE is on the minus strand). VCF-style: chr12-132643423-G-C. GRCh37 (hg19) VCF-style: chr12-133220009-G-C.
Other names: short protein forms F1476L.
Identifiers: ClinVar variation 2703504 (VCV002703504.3), dbSNP rs878854871, ClinGen allele CA387380974.